The following is an entry in ClinVar:

ClinVar aggregate classification (germline): Conflicting classifications of pathogenicity. Review status: criteria provided, conflicting classifications (1 of 4 stars). 2 submissions from 2 submitters: Uncertain significance (1); Likely benign (1). Last evaluated 2025-08-11.

Conditions:
CRB1-related disorder. Also called: CRB1-related condition; CRB1-related disorders.

gnomAD v4.1: 21 of 1,491,722 alleles (0.0014%); highest among the groups gnomAD compares: African/African-American, 0.025%; no homozygotes.

Submissions (2):

PreventionGenetics, part of Exact Sciences
Classification: Uncertain significance for CRB1-related condition. Last evaluated: 2025-08-11. Review status: criteria provided, single submitter. Criteria: ACMG Guidelines, 2015. Collection method: clinical testing. Allele origin: germline.
Comment: The CRB1 c.2564C>G variant is predicted to result in the amino acid substitution p.Ala855Gly. To our knowledge, this variant has not been reported in the literature. This variant is reported in 0.020% of alleles in individuals of African descent in gnomAD. At this time, the clinical significance of this variant is uncertain due to the absence of conclusive functional and genetic evidence.

Blueprint Genetics
Classification: Likely benign. Last evaluated: 2022-12-22. Review status: criteria provided, single submitter. Criteria: ACMG Guidelines, 2015. Collection method: clinical testing. Allele origin: germline.

NM_201253.3(CRB1):c.2677-381C>G

Gene: CRB1 (crumbs cell polarity complex component 1; plus strand). Cytogenetic location: 1q31.3.
Variant type: single nucleotide variant.
Coding change: c.2677-381C>G on transcript NM_201253.3 (MANE Select); 381 bases into the intron before coding-DNA position 2677, C replaced by G.
Molecular consequence: intron variant. On other transcripts: missense variant (1).
Genome position (GRCh38, 1-based): chr1:197,429,068, C>G. VCF-style: chr1-197429068-C-G. GRCh37 (hg19) VCF-style: chr1-197398198-C-G.
Other names: c.2564C>G (NM_001257965.1); c.2564C>G, p.Ala855Gly (NM_001257965.2); c.2129-6532C>G (NM_001257966.2); c.2341-381C>G (NM_001193640.2); short protein forms A855G.
Identifiers: ClinVar variation 4926892 (VCV004926892.2).